The following is an entry in ClinVar:

ClinVar aggregate classification (germline): Uncertain significance (1 of 4 stars; one submission).

gnomAD v4.1: 6 of 1,613,844 alleles (0.00037%); highest among the groups gnomAD compares: Non-Finnish European, 0.00051%; no homozygotes.

Submission:

Labcorp Genetics (formerly Invitae), Labcorp
Classification: Uncertain significance. Last evaluated: 2024-08-31. Review status: criteria provided, single submitter. Criteria: Invitae Variant Classification Sherloc (09022015). Collection method: clinical testing. Allele origin: germline.
Comment: This sequence change replaces threonine, which is neutral and polar, with alanine, which is neutral and non-polar, at codon 670 of the ATRN protein (p.Thr670Ala). This variant is not present in population databases (gnomAD no frequency). This variant has not been reported in the literature in individuals affected with ATRN-related conditions. An algorithm developed to predict the effect of missense changes on protein structure and function outputs the following: PolyPhen-2: "Benign". The alanine amino acid residue is found in multiple mammalian species, which suggests that this missense change does not adversely affect protein function. In summary, the available evidence is currently insufficient to determine the role of this variant in disease. Therefore, it has been classified as a Variant of Uncertain Significance.

NM_139321.3(ATRN):c.2008A>G (p.Thr670Ala)

Gene: ATRN (attractin; plus strand). Cytogenetic location: 20p13.
Variant type: single nucleotide variant.
Coding change: c.2008A>G on transcript NM_139321.3 (MANE Select); coding-DNA position 2008, A replaced by G.
Protein change: p.Thr670Ala; replaces threonine 670 with alanine.
Molecular consequence: missense variant.
Genome position (GRCh38, 1-based): chr20:3,572,867, A>G. VCF-style: chr20-3572867-A-G. GRCh37 (hg19) VCF-style: chr20-3553514-A-G.
Other names: c.1660A>G, p.Thr554Ala (NM_001207047.3); c.2008A>G, p.Thr670Ala (NM_001323332.2, NM_139322.4); short protein forms T554A, T670A.
Identifiers: ClinVar variation 3685932 (VCV003685932.2).